The following is an entry in ClinVar:

NM_000338.3(SLC12A1):c.1911C>T (p.Phe637=)

Genes: SLC12A1 (solute carrier family 12 member 1; plus strand), LOC126862123 (CDK7 strongly-dependent group 2 enhancer GRCh37_chr15:48543423-48544622; plus strand). Cytogenetic location: 15q21.1.
Variant type: single nucleotide variant.
Coding change: c.1911C>T on transcript NM_000338.3 (MANE Select); coding-DNA position 1911, C replaced by T.
Protein change: p.Phe637=; no amino-acid change (phenylalanine 637 retained).
Molecular consequence: synonymous variant.
Genome position (GRCh38, 1-based): chr15:48,251,739, C>T. VCF-style: chr15-48251739-C-T. GRCh37 (hg19) VCF-style: chr15-48543936-C-T.
Other names: c.1911C>T (NM_000338.2); c.1911C>T, p.Phe637= (NM_001184832.2, NM_001384136.1).
Identifiers: ClinVar variation 3017676 (VCV003017676.4), dbSNP rs767014521, ClinGen allele CA7547224.

ClinVar aggregate classification (germline): Likely benign. Review status: criteria provided, multiple submitters, no conflicts (2 of 4 stars). 2 submissions from 2 submitters: Likely benign (2). Last evaluated 2026-06-16.

Conditions:
SLC12A1-related disorder. Also called: SLC12A1-related condition.

Allele frequency attached by ClinVar (database versions not stated): ExAC 0.00002; gnomAD exomes 0.00003; gnomAD 0.00009; TOPMed 0.00011.
gnomAD v4.1: 50 of 1,613,752 alleles (0.0031%); highest among the groups gnomAD compares: Admixed American, 0.033%; no homozygotes.

Submissions (2):

PreventionGenetics, part of Exact Sciences
Classification: Likely benign for SLC12A1-related condition. Last evaluated: 2026-06-16. Review status: criteria provided, single submitter. Criteria: ACMG Guidelines, 2015. Collection method: clinical testing. Allele origin: germline.
Comment: This variant is classified as likely benign based on ACMG/AMP sequence variant interpretation guidelines (Richards et al. 2015 PMID: 25741868, with internal and published modifications).

Labcorp Genetics (formerly Invitae), Labcorp
Classification: Likely benign. Last evaluated: 2025-08-29. Review status: criteria provided, single submitter. Criteria: Invitae Variant Classification Sherloc (09022015). Collection method: clinical testing. Allele origin: germline.